The following is an entry in ClinVar:

NM_001199107.2(TBC1D24):c.1303-5C>G

Gene: TBC1D24 (TBC1 domain family member 24; plus strand). Cytogenetic location: 16p13.3.
Variant type: single nucleotide variant.
Coding change: c.1303-5C>G on transcript NM_001199107.2 (MANE Select); 5 bases into the intron before coding-DNA position 1303, C replaced by G.
Molecular consequence: intron variant.
Genome position (GRCh38, 1-based): chr16:2,500,263, C>G. VCF-style: chr16-2500263-C-G. GRCh37 (hg19) VCF-style: chr16-2550264-C-G.
Other names: c.1285-5C>G (NM_020705.3).
Identifiers: ClinVar variation 504257 (VCV000504257.10), dbSNP rs1468286638, ClinGen allele CA620709378.
Genomic context (GRCh38, chr16:2,500,263, plus strand): 5'-TGGCTCTGGGGCAGAGGGGCCTGCGAACGCCCGCGCCAGCTCCTCACACTCCCCTTCCAC[C>G]CCAGCTGCAGCCTGAGGTGCAGCGCTACGAGTGGGTGGTGATCAAGCACCCCGAGCTGAC-3'

ClinVar aggregate classification (germline): Conflicting classifications of pathogenicity. Review status: criteria provided, conflicting classifications (1 of 4 stars). 2 submissions from 2 submitters: Uncertain significance (1); Likely benign (1). Last evaluated 2025-11-17.

Conditions:
Developmental and epileptic encephalopathy, 1 (DEE1). Also called: X-linked infantile spasms; West's syndrome; Tonic spasms with clustering, arrest of psychomotor development and hypsarrhythmia on EEG; X-Linked Infantile Spasm Syndrome; OHTAHARA SYNDROME, X-LINKED; Epileptic encephalopathy, early infantile, 1. Identifiers: MedGen C3463992, MONDO:0010632, OMIM 308350. Disease mechanism: loss of function.
Autosomal dominant nonsyndromic hearing loss 65. Also called: Deafness, autosomal dominant 65; TBC1D24-Related Autosomal Dominant Nonsyndromic Hearing Loss (DFNA). Identifiers: Orphanet 90635, MedGen C3892048, MONDO:0014470, OMIM 616044.

Allele frequency attached by ClinVar (database versions not stated): TOPMed 0.00001.
gnomAD v4.1: 4 of 1,596,634 alleles (0.00025%); highest among the groups gnomAD compares: Non-Finnish European, 0.00034%; no homozygotes.

Submissions (2):

Labcorp Genetics (formerly Invitae), Labcorp
Classification: Likely benign for Developmental and epileptic encephalopathy, 1; Autosomal dominant nonsyndromic hearing loss 65. Last evaluated: 2025-11-17. Review status: criteria provided, single submitter. Criteria: Invitae Variant Classification Sherloc (09022015). Collection method: clinical testing. Allele origin: germline.

GeneDx
Classification: Uncertain significance. Last evaluated: 2018-02-07. Review status: criteria provided, single submitter. Criteria: GeneDx Variant Classification (06012015). Collection method: clinical testing. Allele origin: germline. Affected: yes.
Comment: A variant of uncertain significance has been identified in the TBC1D24 gene. The c.1303-5 C>G variant has not been published as a pathogenic variant, nor has it been reported as a benign variant to our knowledge. The c.1303-5 C>G variant is not observed at a significant frequency in large population cohorts (Lek et al., 2016). Several in silico splice prediction models predict that c.1303-5 C>G damages the natural splice acceptor site which may lead to abnormal gene splicing. However, in the absence of RNA/functional studies, the actual effect of this sequence change in this individual is unknown. Therefore, based on the currently available information, it is unclear whether this variant is a pathogenic variant or a rare benign variant.